The following is an entry in ClinVar:

NM_014141.6(CNTNAP2):c.1828A>G (p.Asn610Asp)

Gene: CNTNAP2 (contactin associated protein 2; plus strand). Cytogenetic location: 7q35.
Variant type: single nucleotide variant.
Coding change: c.1828A>G on transcript NM_014141.6 (MANE Select); coding-DNA position 1828, A replaced by G.
Protein change: p.Asn610Asp; replaces asparagine 610 with aspartic acid.
Molecular consequence: missense variant.
Genome position (GRCh38, 1-based): chr7:147,562,188, A>G. VCF-style: chr7-147562188-A-G. GRCh37 (hg19) VCF-style: chr7-147259280-A-G.
Other names: short protein forms N610D.
Identifiers: ClinVar variation 2184861 (VCV002184861.4), dbSNP rs761336310, ClinGen allele CA4546217.

ClinVar aggregate classification (germline): Uncertain significance (1 of 4 stars; one submission).

Conditions:
Cortical dysplasia-focal epilepsy syndrome (PTHSL1). Also called: Pitt-Hopkins-like syndrome 1. Identifiers: Orphanet 163681, Orphanet 221150, MedGen C2750246, MONDO:0012400, OMIM 610042.

Allele frequency attached by ClinVar (database versions not stated): ExAC 0.00001; gnomAD exomes 0.00001.
gnomAD v4.1: 4 of 1,614,014 alleles (0.00025%); highest among the groups gnomAD compares: Non-Finnish European, 0.00034%; no homozygotes.

Submission:

Labcorp Genetics (formerly Invitae), Labcorp
Classification: Uncertain significance for Cortical dysplasia-focal epilepsy syndrome. Last evaluated: 2022-07-12. Review status: criteria provided, single submitter. Criteria: Invitae Variant Classification Sherloc (09022015). Collection method: clinical testing. Allele origin: germline.
Comment: In summary, the available evidence is currently insufficient to determine the role of this variant in disease. Therefore, it has been classified as a Variant of Uncertain Significance. Algorithms developed to predict the effect of missense changes on protein structure and function (SIFT, PolyPhen-2, Align-GVGD) all suggest that this variant is likely to be tolerated. This variant has not been reported in the literature in individuals affected with CNTNAP2-related conditions. This variant is present in population databases (rs761336310, gnomAD 0.002%). This sequence change replaces asparagine, which is neutral and polar, with aspartic acid, which is acidic and polar, at codon 610 of the CNTNAP2 protein (p.Asn610Asp).